The following is an entry in ClinVar:

NM_001205293.3(CACNA1E):c.216C>G (p.Phe72Leu)

Gene: CACNA1E (calcium voltage-gated channel subunit alpha1 E; plus strand). Cytogenetic location: 1q25.3.
Variant type: single nucleotide variant.
Coding change: c.216C>G on transcript NM_001205293.3 (MANE Select); coding-DNA position 216, C replaced by G.
Protein change: p.Phe72Leu; replaces phenylalanine 72 with leucine.
Molecular consequence: missense variant.
Genome position (GRCh38, 1-based): chr1:181,483,960, C>G. VCF-style: chr1-181483960-C-G. GRCh37 (hg19) VCF-style: chr1-181453096-C-G.
Other names: c.216C>G, p.Phe72Leu (NM_000721.4, NM_001205294.2); short protein forms F72L.
Identifiers: ClinVar variation 1713603 (VCV001713603.5), dbSNP rs1366077835, ClinGen allele CA343844588.
Genomic context (GRCh38, chr1:181,483,960, plus strand): 5'-GTACAACCCCATTCCCGTCCGGCAGAACTGTTTCACCGTCAACAGATCCCTGTTCATCTT[C>G]GGAGAAGATAACATTGTCAGGAAATATGCCAAGAAGCTCATCGATTGGCCATATCCTTTC-3'
Protein context (NP_001192222.1, residues 62-82): CFTVNRSLFI[Phe72Leu]GEDNIVRKYA

ClinVar aggregate classification (germline): Uncertain significance (1 of 4 stars; one submission).

Submission:

Labcorp Genetics (formerly Invitae), Labcorp
Classification: Uncertain significance. Last evaluated: 2022-07-25. Review status: criteria provided, single submitter. Criteria: Invitae Variant Classification Sherloc (09022015). Collection method: clinical testing. Allele origin: germline.
Comment: This sequence change replaces phenylalanine, which is neutral and non-polar, with leucine, which is neutral and non-polar, at codon 72 of the CACNA1E protein (p.Phe72Leu). This variant is not present in population databases (gnomAD no frequency). This variant has not been reported in the literature in individuals affected with CACNA1E-related conditions. Advanced modeling of protein sequence and biophysical properties (such as structural, functional, and spatial information, amino acid conservation, physicochemical variation, residue mobility, and thermodynamic stability) performed at Invitae indicates that this missense variant is not expected to disrupt CACNA1E protein function. In summary, the available evidence is currently insufficient to determine the role of this variant in disease. Therefore, it has been classified as a Variant of Uncertain Significance.